The following is an entry in ClinVar:

ClinVar aggregate classification (germline): Pathogenic (1 of 4 stars; one submission).

Conditions:
Hurler syndrome. Also called: Gargoylism, Hurler Syndrome; MUCOPOLYSACCHARIDOSIS TYPE IH; Severe MPS I (Hurler Syndrome). Identifiers: Orphanet 93473, MedGen C0086795, MONDO:0011758, OMIM 607014.

Submission:

Women's Health and Genetics/Laboratory Corporation of America, LabCorp
Classification: Pathogenic for Hurler syndrome. Last evaluated: 2025-10-24. Review status: criteria provided, single submitter. Criteria: LabCorp Variant Classification Summary - May 2015. Collection method: clinical testing. Allele origin: germline.
Comment: Variant summary: IDUA c.174_175delCA (p.His58GlnfsX4) results in a premature termination codon, predicted to cause a truncation of the encoded protein or absence of the protein due to nonsense mediated decay, which are commonly known mechanisms for disease. The frequency data for this variant in gnomAD is considered unreliable, as metrics indicate poor data quality at this position. To our knowledge, no occurrence of c.174_175delCA in individuals affected with IDUA-related conditions and no experimental evidence demonstrating its impact on protein function have been reported. No submitters have cited clinical-significance assessments for this variant to ClinVar. Based on the evidence outlined above, the variant was classified as pathogenic.

NM_000203.5(IDUA):c.174_175del (p.His58fs)

Genes: IDUA (alpha-L-iduronidase; plus strand), SLC26A1 (solute carrier family 26 member 1; minus strand). Cytogenetic location: 4p16.3.
Variant type: Microsatellite.
Coding change: c.174_175del on transcript NM_000203.5 (MANE Select); coding-DNA positions 174 to 175, 2 bases deleted (CA; older notation c.174_175delCA).
Protein change: p.His58fs; shifts the reading frame from histidine 58.
Molecular consequence: frameshift variant. On other transcripts: 3 prime UTR variant (2), non-coding transcript variant (1), intron variant (1).
Genome position (GRCh38, 1-based): chr4:987,824-987,825, CA deleted; deleting any 2 consecutive bases within chr4:987,820-987,825 gives the same sequence; the c. name uses the placement nearest the transcript's 3' end. VCF-style (leftmost placement, unchanged base first): chr4-987819-CCA-C. GRCh37 (hg19) VCF-style: chr4-981607-CCA-C.
Other names: c.*1008TG[2] (NM_022042.4, NM_213613.4); c.576+3303TG[2] (NM_134425.4); c.174_175delCA (NM_000203.5); short protein forms H58fs.
Identifiers: ClinVar variation 4687779 (VCV004687779.1).